The following is an entry in ClinVar:

NM_001999.4(FBN2):c.5003A>G (p.Asn1668Ser)

Gene: FBN2 (fibrillin 2; minus strand). Cytogenetic location: 5q23.3.
Variant type: single nucleotide variant.
Coding change: c.5003A>G on transcript NM_001999.4 (MANE Select); coding-DNA position 5003, A replaced by G.
Protein change: p.Asn1668Ser; replaces asparagine 1668 with serine.
Molecular consequence: missense variant.
Genome position (GRCh38, 1-based): chr5:128,311,371, T>C on the plus strand (A>G on the coding strand, the complement: FBN2 is on the minus strand). VCF-style: chr5-128311371-T-C. GRCh37 (hg19) VCF-style: chr5-127647063-T-C.
Other names: short protein forms N1668S.
Identifiers: ClinVar variation 1744726 (VCV001744726.2), dbSNP rs2479740327, ClinGen allele CA360746169.

ClinVar aggregate classification (germline): Uncertain significance (1 of 4 stars; one submission).

Conditions:
Familial thoracic aortic aneurysm and aortic dissection (TAAD). Also called: Thoracic aortic aneurysms and dissections. Identifiers: Orphanet 91387, MedGen C4707243, MONDO:0019625.

Allele frequency attached by ClinVar (database versions not stated): gnomAD exomes below 0.00001.
gnomAD v4.1: 1 of 1,614,124 alleles (0.000062%); highest among the groups gnomAD compares: Non-Finnish European, 0.000085%; no homozygotes.

Submission:

Ambry Genetics
Classification: Uncertain significance for Familial thoracic aortic aneurysm and aortic dissection. Last evaluated: 2020-07-27. Review status: criteria provided, single submitter. Criteria: Ambry Variant Classification Scheme 2023. Collection method: clinical testing. Allele origin: germline.
Comment: The p.N1668S variant (also known as c.5003A>G), located in coding exon 39 of the FBN2 gene, results from an A to G substitution at nucleotide position 5003. The asparagine at codon 1668 is replaced by serine, an amino acid with highly similar properties. This amino acid position is highly conserved in available vertebrate species. In addition, the in silico prediction for this alteration is inconclusive. Since supporting evidence is limited at this time, the clinical significance of this alteration remains unclear.